The following is an entry in ClinVar:

ClinVar aggregate classification (germline): Uncertain significance (1 of 4 stars; one submission).

Conditions:
Progressive sclerosing poliodystrophy (MTDPS4A). Also called: Mitochondrial DNA depletion syndrome 4A (Alpers type); ALPERS PROGRESSIVE INFANTILE POLIODYSTROPHY; NEURONAL DEGENERATION OF CHILDHOOD WITH LIVER DISEASE, PROGRESSIVE; Alpers Syndrome; ALPERS DIFFUSE DEGENERATION OF CEREBRAL GRAY MATTER WITH HEPATIC CIRRHOSIS; Alpers-Huttenlocher Syndrome. Identifiers: Orphanet 726, MedGen C0205710, MONDO:0008758, OMIM 203700.

Allele frequency attached by ClinVar (database versions not stated): ExAC 0.00001.

Submission:

Labcorp Genetics (formerly Invitae), Labcorp
Classification: Uncertain significance for Progressive sclerosing poliodystrophy. Last evaluated: 2023-10-20. Review status: criteria provided, single submitter. Criteria: Invitae Variant Classification Sherloc (09022015). Collection method: clinical testing. Allele origin: germline.
Comment: This sequence change replaces valine, which is neutral and non-polar, with alanine, which is neutral and non-polar, at codon 844 of the POLG protein (p.Val844Ala). This variant is not present in population databases (gnomAD no frequency). This variant has not been reported in the literature in individuals affected with POLG-related conditions. Advanced modeling of protein sequence and biophysical properties (such as structural, functional, and spatial information, amino acid conservation, physicochemical variation, residue mobility, and thermodynamic stability) performed at Invitae indicates that this missense variant is expected to disrupt POLG protein function. In summary, the available evidence is currently insufficient to determine the role of this variant in disease. Therefore, it has been classified as a Variant of Uncertain Significance.

NM_002693.3(POLG):c.2531T>C (p.Val844Ala)

Gene: POLG (DNA polymerase gamma, catalytic subunit; minus strand). Cytogenetic location: 15q26.1.
Variant type: single nucleotide variant.
Coding change: c.2531T>C on transcript NM_002693.3 (MANE Select); coding-DNA position 2531, T replaced by C.
Protein change: p.Val844Ala; replaces valine 844 with alanine.
Molecular consequence: missense variant.
Genome position (GRCh38, 1-based): chr15:89,321,803, A>G on the plus strand (T>C on the coding strand, the complement: POLG is on the minus strand). VCF-style: chr15-89321803-A-G. GRCh37 (hg19) VCF-style: chr15-89865034-A-G.
Other names: c.2531T>C, p.Val844Ala (NM_001126131.2); short protein forms V844A.
Identifiers: ClinVar variation 2894591 (VCV002894591.3), dbSNP rs753451647, ClinGen allele CA7724431.